The following is an entry in ClinVar:

ClinVar aggregate classification (germline): Pathogenic (1 of 4 stars; one submission).

Conditions:
Fanconi anemia (FA). Also called: Fanconi's anemia. Identifiers: Orphanet 84, MedGen C0015625, MeSH D005199, MONDO:0019391.

Submission:

Labcorp Genetics (formerly Invitae), Labcorp
Classification: Pathogenic for Fanconi anemia. Last evaluated: 2023-10-08. Review status: criteria provided, single submitter. Criteria: Invitae Variant Classification Sherloc (09022015). Collection method: clinical testing. Allele origin: unknown.
Comment: This variant is a gross deletion of the genomic region encompassing exon(s) 16-17 of the FANCA gene. This variant would be expected to be in-frame, preserving the integrity of the reading frame. A similar copy number variant has been observed in individual(s) with clinical features of Fanconi anemia (PMID: 9711872, 21273304, 23613520, 29098742). In at least one individual the data is consistent with being in trans (on the opposite chromosome) from a pathogenic variant. It has also been observed to segregate with disease in related individuals. For these reasons, this variant has been classified as Pathogenic.

Literature cited by the submitters: PubMed 9711872; PubMed 21273304; PubMed 23613520; PubMed 29098742.

NC_000016.9:g.(?_89849247)_(89849530_?)del

Gene: FANCA (FA complementation group A; minus strand). Cytogenetic location: 16q24.3.
Variant type: Deletion.
Identifiers: ClinVar variation 3243252 (VCV003243252.1).